The following is an entry in ClinVar:

ClinVar aggregate classification (germline): Uncertain significance. Review status: criteria provided, multiple submitters, no conflicts (2 of 4 stars). 2 submissions from 2 submitters: Uncertain significance (2). Last evaluated 2026-04-15.

Conditions:
Primary ciliary dyskinesia. Also called: Ciliary dyskinesia. Identifiers: Orphanet 244, MedGen C0008780, MONDO:0016575, HP:0012265.

Submissions (2):

GeneDx
Classification: Uncertain significance. Last evaluated: 2026-04-15. Review status: criteria provided, single submitter. Criteria: GeneDx Variant Classification Process June 2021. Collection method: clinical testing. Allele origin: germline.
Comment: Not observed at significant frequency in large population cohorts (gnomAD); In silico analysis suggests that this missense variant does not alter protein structure/function; Has not been previously published as pathogenic or benign to our knowledge

Ambry Genetics
Classification: Uncertain significance for Primary ciliary dyskinesia. Last evaluated: 2024-03-25. Review status: criteria provided, single submitter. Criteria: Ambry Variant Classification Scheme 2023. Collection method: clinical testing. Allele origin: germline.

NM_001369.3(DNAH5):c.3967C>G (p.Leu1323Val)

Genes: DNAH5 (dynein axonemal heavy chain 5; minus strand), DNAH5-AS1 (DNAH5 antisense RNA 1; plus strand). Cytogenetic location: 5p15.2.
Variant type: single nucleotide variant.
Coding change: c.3967C>G on transcript NM_001369.3 (MANE Select); coding-DNA position 3967, C replaced by G.
Protein change: p.Leu1323Val; replaces leucine 1323 with valine.
Molecular consequence: missense variant.
Genome position (GRCh38, 1-based): chr5:13,867,860, G>C on the plus strand (C>G on the coding strand, the complement: DNAH5 is on the minus strand). VCF-style: chr5-13867860-G-C. GRCh37 (hg19) VCF-style: chr5-13867969-G-C.
Other names: short protein forms L1323V.
Identifiers: ClinVar variation 3272858 (VCV003272858.2).